The following is an entry in ClinVar:

ClinVar aggregate classification (germline): Uncertain significance (1 of 4 stars; one submission).

Conditions:
Focal segmental glomerulosclerosis 2 (FSGS2). Identifiers: Orphanet 656, MedGen C1858915, MONDO:0011390, OMIM 603965.

Submission:

MVZ Medizinische Genetik Mainz
Classification: Uncertain significance for Focal segmental glomerulosclerosis 2. Last evaluated: 2024-04-11. Review status: criteria provided, single submitter. Criteria: UK Practice Guidelines For Variant Classification V4 01 2020. Collection method: clinical testing. Allele origin: germline. Inheritance: Autosomal dominant inheritance. Affected: yes. Observed: 1 variant allele.
Comment: ACMG Criteria: PP3_STR,PM2_SUP

NM_004621.6(TRPC6):c.1528T>G (p.Cys510Gly)

Gene: TRPC6 (transient receptor potential cation channel subfamily C member 6; minus strand). Cytogenetic location: 11q22.1.
Variant type: single nucleotide variant.
Coding change: c.1528T>G on transcript NM_004621.6 (MANE Select); coding-DNA position 1528, T replaced by G.
Protein change: p.Cys510Gly; replaces cysteine 510 with glycine.
Molecular consequence: missense variant.
Genome position (GRCh38, 1-based): chr11:101,476,517, A>C on the plus strand (T>G on the coding strand, the complement: TRPC6 is on the minus strand). VCF-style: chr11-101476517-A-C. GRCh37 (hg19) VCF-style: chr11-101347248-A-C.
Other names: short protein forms C510G.
Identifiers: ClinVar variation 3256870 (VCV003256870.1).